The following is an entry in ClinVar:

ClinVar aggregate classification (germline): Benign/Likely benign. Review status: criteria provided, multiple submitters, no conflicts (2 of 4 stars). 5 submissions from 5 submitters: Benign (1); Likely benign (4). Last evaluated 2025-06-25.

Conditions:
Hereditary cancer-predisposing syndrome. Also called: Hereditary Cancer Syndrome; Neoplastic Syndromes, Hereditary; Tumor predisposition; Hereditary neoplastic syndrome. Identifiers: Orphanet 140162, MedGen C0027672, MeSH D009386, MONDO:0015356.
Familial cancer of breast. Also called: BREAST CANCER, FAMILIAL; Hereditary breast cancer; hereditary breast carcinoma. Identifiers: Orphanet 227535, MedGen C0346153, MONDO:0016419, OMIM 114480. Disease mechanism: loss of function.
Ataxia-telangiectasia syndrome (AT). Also called: Cerebello-oculocutaneous telangiectasia; Immunodeficiency with ataxia telangiectasia; Ataxia-telangiectasia, complementation group E; Ataxia-telangiectasia, complementation group D; AT, COMPLEMENTATION GROUP C; ATAXIA-TELANGIECTASIA, COMPLEMENTATION GROUP A. Identifiers: Orphanet 100, MedGen C0004135, MONDO:0008840, OMIM 208900.

Allele frequency attached by ClinVar (database versions not stated): gnomAD exomes below 0.00001.
gnomAD v4.1: 1 of 1,614,220 alleles (0.000062%); highest among the groups gnomAD compares: South Asian, 0.0011%; no homozygotes.

Submissions (5):

Labcorp Genetics (formerly Invitae), Labcorp
Classification: Likely benign for Ataxia-telangiectasia syndrome. Last evaluated: 2025-06-25. Review status: criteria provided, single submitter. Criteria: Invitae Variant Classification Sherloc (09022015). Collection method: clinical testing. Allele origin: germline.

Myriad Genetics, Inc.
Classification: Benign for Familial cancer of breast. Last evaluated: 2024-06-24. Review status: criteria provided, single submitter. Criteria: Myriad Autosomal Dominant, Autosomal Recessive and X-Linked Classification Criteria (2023). Collection method: clinical testing. Allele origin: unknown.
Comment: This variant is considered benign. This variant is a silent/synonymous amino acid change and it is not expected to impact splicing.

CeGaT Center for Human Genetics Tuebingen
Classification: Likely benign. Last evaluated: 2023-12-01. Review status: criteria provided, single submitter. Criteria: CeGaT Center For Human Genetics Tuebingen Variant Classification Criteria Version 2. Collection method: clinical testing. Allele origin: germline. Affected: yes. Observed: 1 variant allele.
Comment: ATM: PM2:Supporting, BP4, BP7

Ambry Genetics
Classification: Likely benign for Hereditary cancer-predisposing syndrome. Last evaluated: 2023-05-03. Review status: criteria provided, single submitter. Criteria: Ambry Variant Classification Scheme 2023. Collection method: clinical testing. Allele origin: germline.

GeneDx
Classification: Likely benign. Last evaluated: 2019-02-27. Review status: criteria provided, single submitter. Criteria: GeneDx Variant Classification Process June 2021. Collection method: clinical testing. Allele origin: germline. Affected: yes.

NM_000051.4(ATM):c.9063A>G (p.Glu3021=)

Genes: ATM (ATM serine/threonine kinase; plus strand), C11orf65 (chromosome 11 open reading frame 65; minus strand). Cytogenetic location: 11q22.3.
Variant type: single nucleotide variant.
Coding change: c.9063A>G on transcript NM_000051.4 (MANE Select); coding-DNA position 9063, A replaced by G.
Protein change: p.Glu3021=; no amino-acid change (glutamic acid 3021 retained).
Molecular consequence: synonymous variant. On other transcripts: intron variant (2).
Genome position (GRCh38, 1-based): chr11:108,365,400, A>G. VCF-style: chr11-108365400-A-G. GRCh37 (hg19) VCF-style: chr11-108236127-A-G.
Other names: c.9063A>G, p.Glu3021= (NM_001351834.2); c.640+20520T>C (NM_001330368.2); c.694+20520T>C (NM_001351110.2).
Identifiers: ClinVar variation 524481 (VCV000524481.38), dbSNP rs1555151874, ClinGen allele CA476745205.